The following is an entry in ClinVar:

NM_000390.4(CHM):c.311C>T (p.Ala104Val)

Gene: CHM (CHM Rab escort protein; minus strand). Cytogenetic location: Xq21.2.
Variant type: single nucleotide variant.
Coding change: c.311C>T on transcript NM_000390.4 (MANE Select); coding-DNA position 311, C replaced by T.
Protein change: p.Ala104Val; replaces alanine 104 with valine.
Molecular consequence: missense variant. On other transcripts: 5 prime UTR variant (4).
Genome position (GRCh38, 1-based): chrX:85,978,770, G>A on the plus strand (C>T on the coding strand, the complement: CHM is on the minus strand). VCF-style: chrX-85978770-G-A. GRCh37 (hg19) VCF-style: chrX-85233774-G-A.
Other names: c.311C>T, p.Ala104Val (NM_001145414.4); c.-134C>T (NM_001320959.1, NM_001362517.1); c.-130C>T (NM_001362518.2, NM_001362519.1); short protein forms A104V.
Identifiers: ClinVar variation 1716776 (VCV001716776.5), dbSNP rs11539374, ClinGen allele CA413787765.

ClinVar aggregate classification (germline): Uncertain significance (1 of 4 stars; one submission).

Submission:

Labcorp Genetics (formerly Invitae), Labcorp
Classification: Uncertain significance. Last evaluated: 2022-08-19. Review status: criteria provided, single submitter. Criteria: Invitae Variant Classification Sherloc (09022015). Collection method: clinical testing. Allele origin: germline.
Comment: This sequence change replaces alanine, which is neutral and non-polar, with valine, which is neutral and non-polar, at codon 104 of the CHM protein (p.Ala104Val). This variant is not present in population databases (gnomAD no frequency). This variant has not been reported in the literature in individuals affected with CHM-related conditions. Algorithms developed to predict the effect of missense changes on protein structure and function are either unavailable or do not agree on the potential impact of this missense change (SIFT: "Tolerated"; PolyPhen-2: "Probably Damaging"; Align-GVGD: "Class C0"). In summary, the available evidence is currently insufficient to determine the role of this variant in disease. Therefore, it has been classified as a Variant of Uncertain Significance.